The following is an entry in ClinVar:

ClinVar aggregate classification (germline): Likely benign (1 of 4 stars; one submission).

gnomAD v4.1: 1 of 1,613,322 alleles (0.000062%); highest among the groups gnomAD compares: Non-Finnish European, 0.000085%; no homozygotes.

Submission:

CeGaT Center for Human Genetics Tuebingen
Classification: Likely benign. Last evaluated: 2026-06-01. Review status: criteria provided, single submitter. Criteria: CeGaT Center For Human Genetics Tuebingen Variant Classification Criteria Version 2. Collection method: clinical testing. Allele origin: germline. Affected: yes. Observed: 1 variant allele.
Comment: SNRPB: BP4, BP7

NM_003091.4(SNRPB):c.279T>C (p.Ala93=)

Gene: SNRPB (small nuclear ribonucleoprotein polypeptides B and B1; minus strand). Cytogenetic location: 20p13.
Variant type: single nucleotide variant.
Coding change: c.279T>C on transcript NM_003091.4 (MANE Select); coding-DNA position 279, T replaced by C.
Protein change: p.Ala93=; no amino-acid change (alanine 93 retained).
Molecular consequence: synonymous variant.
Genome position (GRCh38, 1-based): chr20:2,463,888, A>G on the plus strand (T>C on the coding strand, the complement: SNRPB is on the minus strand). VCF-style: chr20-2463888-A-G. GRCh37 (hg19) VCF-style: chr20-2444534-A-G.
Other names: c.279T>C, p.Ala93= (NM_198216.2).
Identifiers: ClinVar variation 4872974 (VCV004872974.2).